The following is an entry in ClinVar:

ClinVar aggregate classification (germline): Uncertain significance (1 of 4 stars; one submission).

Conditions:
Charcot-Marie-Tooth disease recessive intermediate C. Also called: CHARCOT-MARIE-TOOTH NEUROPATHY, RECESSIVE INTERMEDIATE C. Identifiers: Orphanet 369867, MedGen C3809309, MONDO:0014154, OMIM 615376.
Neuronopathy, distal hereditary motor, autosomal recessive 4. Also called: Autosomal recessive lower motor neuron disease with childhood onset; NEUROPATHY, DISTAL HEREDITARY MOTOR, AUTOSOMAL RECESSIVE 4. Identifiers: Orphanet 206580, MedGen C1970211, MONDO:0012608, OMIM 611067.

Allele frequency attached by ClinVar (database versions not stated): TOPMed below 0.00001; gnomAD 0.00001; gnomAD exomes 0.00001.
gnomAD v4.1: 5 of 1,553,622 alleles (0.00032%); highest among the groups gnomAD compares: Non-Finnish European, 0.00044%; no homozygotes.

Submission:

Labcorp Genetics (formerly Invitae), Labcorp
Classification: Uncertain significance for Neuronopathy, distal hereditary motor, autosomal recessive 4; Charcot-Marie-Tooth disease recessive intermediate C. Last evaluated: 2021-08-26. Review status: criteria provided, single submitter. Criteria: Invitae Variant Classification Sherloc (09022015). Collection method: clinical testing. Allele origin: germline.
Comment: This sequence change replaces glycine with alanine at codon 234 of the PLEKHG5 protein (p.Gly234Ala). The glycine residue is weakly conserved and there is a small physicochemical difference between glycine and alanine. This variant is not present in population databases (ExAC no frequency). This variant has not been reported in the literature in individuals affected with PLEKHG5-related conditions. Algorithms developed to predict the effect of missense changes on protein structure and function (SIFT, PolyPhen-2, Align-GVGD) all suggest that this variant is likely to be tolerated. In summary, the available evidence is currently insufficient to determine the role of this variant in disease. Therefore, it has been classified as a Variant of Uncertain Significance.

NM_020631.6(PLEKHG5):c.701G>C (p.Gly234Ala)

Gene: PLEKHG5 (pleckstrin homology and RhoGEF domain containing G5; minus strand). Cytogenetic location: 1p36.31.
Variant type: single nucleotide variant.
Coding change: c.701G>C on transcript NM_020631.6 (MANE Select); coding-DNA position 701, G replaced by C.
Protein change: p.Gly234Ala; replaces glycine 234 with alanine.
Molecular consequence: missense variant.
Genome position (GRCh38, 1-based): chr1:6,473,345, C>G on the plus strand (G>C on the coding strand, the complement: PLEKHG5 is on the minus strand). VCF-style: chr1-6473345-C-G. GRCh37 (hg19) VCF-style: chr1-6533405-C-G.
Other names: c.812G>C, p.Gly271Ala (NM_001042663.3, NM_001265592.2); c.701G>C, p.Gly234Ala (NM_001042664.2, NM_001042665.2, NM_001265594.3 and 1 more transcripts); c.908G>C, p.Gly303Ala (NM_001265593.2); short protein forms G234A, G303A, G271A.
Identifiers: ClinVar variation 960724 (VCV000960724.7), dbSNP rs1348491680, ClinGen allele CA338136882.
Genomic context (GRCh38, chr1:6,473,345, plus strand): 5'-AAAAAGCCGCTGAAGCGACTGGCCGCCCGGTTCTTCCAGCTGTCGCCAGTGTTGGTGCTG[C>G]CACTGCTGCCGCTGGGCAGAGAGCAGCTGGAGGGCGTGGGGGGCTCCTGCCCGGGGATGC-3'
Protein context (NP_065682.2, residues 224-244): SSCSLPSGSS[Gly234Ala]STNTGDSWKN